The following is an entry in ClinVar:

NM_139058.3(ARX):c.139G>T (p.Ala47Ser)

Gene: ARX (aristaless related homeobox; minus strand). Cytogenetic location: Xp21.3.
Variant type: single nucleotide variant.
Coding change: c.139G>T on transcript NM_139058.3 (MANE Select); coding-DNA position 139, G replaced by T.
Protein change: p.Ala47Ser; replaces alanine 47 with serine.
Molecular consequence: missense variant.
Genome position (GRCh38, 1-based): chrX:25,015,599, C>A on the plus strand (G>T on the coding strand, the complement: ARX is on the minus strand). VCF-style: chrX-25015599-C-A. GRCh37 (hg19) VCF-style: chrX-25033716-C-A.
Other names: short protein forms A47S.
Identifiers: ClinVar variation 4535250 (VCV004535250.6).

ClinVar aggregate classification (germline): Uncertain significance (1 of 4 stars; one submission).

Submission:

CeGaT Center for Human Genetics Tuebingen
Classification: Uncertain significance. Last evaluated: 2025-11-01. Review status: criteria provided, single submitter. Criteria: CeGaT Center For Human Genetics Tuebingen Variant Classification Criteria Version 2. Collection method: clinical testing. Allele origin: germline. Affected: yes. Observed: 1 variant allele.
Comment: ARX: PM2